The following is an entry in ClinVar:

NM_024642.5(GALNT12):c.719C>T (p.Pro240Leu)

Gene: GALNT12 (polypeptide N-acetylgalactosaminyltransferase 12; plus strand). Cytogenetic location: 9q22.33.
Variant type: single nucleotide variant.
Coding change: c.719C>T on transcript NM_024642.5 (MANE Select); coding-DNA position 719, C replaced by T.
Protein change: p.Pro240Leu; replaces proline 240 with leucine.
Molecular consequence: missense variant.
Genome position (GRCh38, 1-based): chr9:98,826,929, C>T. VCF-style: chr9-98826929-C-T. GRCh37 (hg19) VCF-style: chr9-101589211-C-T.
Other names: short protein forms P240L.
Identifiers: ClinVar variation 410589 (VCV000410589.22), dbSNP rs59362219, ClinGen allele CA5154030.

ClinVar aggregate classification (germline): Conflicting classifications of pathogenicity. Review status: criteria provided, conflicting classifications (1 of 4 stars). 6 submissions from 6 submitters: Uncertain significance (1); Benign (1); Likely benign (3). 1 of the submissions does not count toward it. Last evaluated 2026-01-27.

Conditions:
GALNT12-related disorder. Also called: GALNT12-related condition.
Breast neoplasm. Also called: Neoplasm of the breast; Breast Neoplasms; Neoplasm of breast; Breast tumor. Identifiers: MedGen C1458155, MeSH D001943, MONDO:0021100, HP:0100013. Disease mechanism: gain of function.
Colorectal cancer, susceptibility to, 1. Also called: COLORECTAL ADENOMA AND CANCER, SUSCEPTIBILITY TO; COLORECTAL CANCER, SUSCEPTIBILITY TO, ON CHROMOSOME 9. Identifiers: MedGen C1837315, MONDO:0012132, OMIM 608812.

Allele frequency attached by ClinVar (database versions not stated): gnomAD 0.00016 and 0.00030; gnomAD exomes 0.00019 and 0.00058; ExAC 0.00053; TOPMed 0.00056; 1000 Genomes Project 30x 0.00219; 1000 Genomes Project 0.00220.

Submissions (6):

Labcorp Genetics (formerly Invitae), Labcorp
Classification: Benign. Last evaluated: 2026-01-27. Review status: criteria provided, single submitter. Criteria: Invitae Variant Classification Sherloc (09022015). Collection method: clinical testing. Allele origin: germline.

Blueprint Genetics
Classification: Likely benign. Last evaluated: 2024-11-20. Review status: criteria provided, single submitter. Criteria: ACMG Guidelines, 2015. Collection method: clinical testing. Allele origin: germline.

Department of Pathology and Laboratory Medicine, Sinai Health System
Classification: Uncertain significance for Colorectal cancer, susceptibility to, 1. Last evaluated: 2022-02-02. Review status: criteria provided, single submitter. Criteria: ACMG Guidelines, 2015. Collection method: clinical testing. Allele origin: germline. Affected: no.

ACT Genomics,
Classification: Likely benign for Breast neoplasm. Last evaluated: 2020-11-06. Review status: criteria provided, single submitter. Criteria: ACMG Guidelines, 2015. Collection method: clinical testing. Allele origin: germline. Inheritance: Autosomal dominant inheritance. Affected: yes. Observed: 1 heterozygote.
Comment: The allele frequency of this variant c.719C>T (p.Pro240Leu) is 0.0083 in East Asian of gnomAD and 0.011 in East Asian in 1000 Genomes. For the reason, this variant has been classified as Likely Benign.

Ambry Genetics
Classification: Likely benign. Last evaluated: 2020-03-03. Review status: criteria provided, single submitter. Criteria: Ambry Variant Classification Scheme 2023. Collection method: clinical testing. Allele origin: germline.

PreventionGenetics, part of Exact Sciences
Classification: Benign for GALNT12-related condition. Last evaluated: 2020-05-15. Review status: no assertion criteria provided. Collection method: clinical testing. Allele origin: germline. Not counted in ClinVar's aggregate classification.
Comment: This variant is classified as benign based on ACMG/AMP sequence variant interpretation guidelines (Richards et al. 2015 PMID: 25741868, with internal and published modifications).

Literature cited by the submitters: PubMed 29546405 (cited by Department of Pathology and Laboratory Medicine, Sinai Health System and Ambry Genetics).